The following is an entry in ClinVar:

NM_001330588.2(TPP2):c.91C>T (p.Pro31Ser)

Gene: TPP2 (tripeptidyl peptidase 2; plus strand). Cytogenetic location: 13q33.1.
Variant type: single nucleotide variant.
Coding change: c.91C>T on transcript NM_001330588.2 (MANE Select); coding-DNA position 91, C replaced by T.
Protein change: p.Pro31Ser; replaces proline 31 with serine.
Molecular consequence: missense variant. On other transcripts: non-coding transcript variant (1).
Genome position (GRCh38, 1-based): chr13:102,597,129, C>T. VCF-style: chr13-102597129-C-T. GRCh37 (hg19) VCF-style: chr13-103249479-C-T.
Other names: c.91C>T, p.Pro31Ser (NM_001367947.1, NM_003291.4); short protein forms P31S.
Identifiers: ClinVar variation 2069612 (VCV002069612.4), dbSNP rs1169336796, ClinGen allele CA388676621.

ClinVar aggregate classification (germline): Uncertain significance (1 of 4 stars; one submission).

Conditions:
Evans syndrome, immunodeficiency, and premature immunosenescence associated with tripeptidyl-peptidase II deficiency. Identifiers: MedGen CN231723. Disease mechanism: loss of function.

gnomAD v4.1: 1 of 1,610,830 alleles (0.000062%); highest among the groups gnomAD compares: Admixed American, 0.0017%; no homozygotes.

Submission:

Labcorp Genetics (formerly Invitae), Labcorp
Classification: Uncertain significance for Evans syndrome, immunodeficiency, and premature immunosenescence associated with tripeptidyl-peptidase II deficiency. Last evaluated: 2022-10-24. Review status: criteria provided, single submitter. Criteria: Invitae Variant Classification Sherloc (09022015). Collection method: clinical testing. Allele origin: germline.
Comment: In summary, the available evidence is currently insufficient to determine the role of this variant in disease. Therefore, it has been classified as a Variant of Uncertain Significance. Algorithms developed to predict the effect of missense changes on protein structure and function are either unavailable or do not agree on the potential impact of this missense change (SIFT: "Deleterious"; PolyPhen-2: "Probably Damaging"; Align-GVGD: "Class C0"). This variant has not been reported in the literature in individuals affected with TPP2-related conditions. This variant is present in population databases (no rsID available, gnomAD 0.003%). This sequence change replaces proline, which is neutral and non-polar, with serine, which is neutral and polar, at codon 31 of the TPP2 protein (p.Pro31Ser).